The following is an entry in ClinVar:

NM_006059.4(LAMC3):c.1136C>T (p.Pro379Leu)

Gene: LAMC3 (laminin subunit gamma 3; plus strand). Cytogenetic location: 9q34.12.
Variant type: single nucleotide variant.
Coding change: c.1136C>T on transcript NM_006059.4 (MANE Select); coding-DNA position 1136, C replaced by T.
Protein change: p.Pro379Leu; replaces proline 379 with leucine.
Molecular consequence: missense variant.
Genome position (GRCh38, 1-based): chr9:131,039,023, C>T. VCF-style: chr9-131039023-C-T. GRCh37 (hg19) VCF-style: chr9-133914410-C-T.
Other names: short protein forms P379L.
Identifiers: ClinVar variation 3676674 (VCV003676674.2).

ClinVar aggregate classification (germline): Uncertain significance (1 of 4 stars; one submission).

gnomAD v4.1: 2 of 1,613,618 alleles (0.00012%); highest among the groups gnomAD compares: Non-Finnish European, 0.00017%; no homozygotes.

Submission:

Labcorp Genetics (formerly Invitae), Labcorp
Classification: Uncertain significance. Last evaluated: 2024-11-21. Review status: criteria provided, single submitter. Criteria: Invitae Variant Classification Sherloc (09022015). Collection method: clinical testing. Allele origin: germline.
Comment: This sequence change replaces proline, which is neutral and non-polar, with leucine, which is neutral and non-polar, at codon 379 of the LAMC3 protein (p.Pro379Leu). This variant is not present in population databases (gnomAD no frequency). This variant has not been reported in the literature in individuals affected with LAMC3-related conditions. An algorithm developed to predict the effect of missense changes on protein structure and function (PolyPhen-2) suggests that this variant is likely to be disruptive. In summary, the available evidence is currently insufficient to determine the role of this variant in disease. Therefore, it has been classified as a Variant of Uncertain Significance.